The following is an entry in ClinVar:

ClinVar aggregate classification (germline): Uncertain significance (1 of 4 stars; one submission).

Allele frequency attached by ClinVar (database versions not stated): gnomAD 0.00003.
gnomAD v4.1: 7 of 1,614,086 alleles (0.00043%); highest among the groups gnomAD compares: African/African-American, 0.0093%; no homozygotes.

Submission:

Ambry Genetics
Classification: Uncertain significance. Last evaluated: 2025-11-09. Review status: criteria provided, single submitter. Criteria: Ambry Variant Classification Scheme 2023. Collection method: clinical testing. Allele origin: germline.
Comment: The p.N1038T variant (also known as c.3113A>C), located in coding exon 1 of the MLH3 gene, results from an A to C substitution at nucleotide position 3113. The asparagine at codon 1038 is replaced by threonine, an amino acid with similar properties. This amino acid position is conserved. In addition, this alteration is predicted to be tolerated by in silico analysis. Since supporting evidence is limited at this time, the clinical significance of this alteration remains unclear.

NM_001040108.2(MLH3):c.3113A>C (p.Asn1038Thr)

Gene: MLH3 (mutL homolog 3; minus strand). Cytogenetic location: 14q24.3.
Variant type: single nucleotide variant.
Coding change: c.3113A>C on transcript NM_001040108.2 (MANE Select); coding-DNA position 3113, A replaced by C.
Protein change: p.Asn1038Thr; replaces asparagine 1038 with threonine.
Molecular consequence: missense variant.
Genome position (GRCh38, 1-based): chr14:75,046,543, T>G on the plus strand (A>C on the coding strand, the complement: MLH3 is on the minus strand). VCF-style: chr14-75046543-T-G. GRCh37 (hg19) VCF-style: chr14-75513246-T-G.
Other names: c.3113A>C, p.Asn1038Thr (NM_014381.3); short protein forms N1038T.
Identifiers: ClinVar variation 1727773 (VCV001727773.3), dbSNP rs1273702353, ClinGen allele CA390436199.
Genomic context (GRCh38, chr14:75,046,543, plus strand): 5'-ACATAAACCATTCTTCCCAGGGCTACATCGAAATGCCGCTGCCAATCTGAACAACACGTG[T>G]TTGACTCTTCAGTTTCAGAACAAGCTCTTGCTTTAGATTCCTCACTCTGAAAACAAATTC-3'
Protein context (NP_001035197.1, residues 1028-1048): ARACSETEES[Asn1038Thr]TCCSDWQRHF